The following is an entry in ClinVar:

ClinVar aggregate classification (germline): Benign/Likely benign. Review status: criteria provided, multiple submitters, no conflicts (2 of 4 stars). 3 submissions from 3 submitters: Benign (1); Likely benign (1). 1 of the submissions does not count toward it. Last evaluated 2025-12-26.

Conditions:
AUTS2-related disorder. Also called: AUTS2-related condition.

Allele frequency attached by ClinVar (database versions not stated): gnomAD 0.00093 and 0.00157; gnomAD exomes 0.00135 and 0.00365; TOPMed 0.00192; ExAC 0.00359; 1000 Genomes Project 30x 0.01124; 1000 Genomes Project 0.01138.
gnomAD v4.1: 2,244 of 1,614,114 alleles (0.14%); highest among the groups gnomAD compares: East Asian, 4.1%; 38 homozygotes.

Submissions (12):

Labcorp Genetics (formerly Invitae), Labcorp
Classification: Benign. Last evaluated: 2025-12-26. Review status: criteria provided, single submitter. Criteria: Invitae Variant Classification Sherloc (09022015). Collection method: clinical testing. Allele origin: germline.

GeneDx
Classification: Likely benign. Last evaluated: 2020-11-23. Review status: criteria provided, single submitter. Criteria: GeneDx Variant Classification Process June 2021. Collection method: clinical testing. Allele origin: germline. Affected: yes.

PreventionGenetics, part of Exact Sciences
Classification: Benign for AUTS2-related condition. Last evaluated: 2019-05-08. Review status: no assertion criteria provided. Collection method: clinical testing. Allele origin: germline. Not counted in ClinVar's aggregate classification.
Comment: This variant is classified as benign based on ACMG/AMP sequence variant interpretation guidelines (Richards et al. 2015 PMID: 25741868, with internal and published modifications).

Dr. Peter K. Rogan Lab, Western University
No classification provided (evidence only). Condition: Sarcoma. Review status: no classification provided. Collection method: in vitro. Allele origin: not applicable. Functional consequence: retained intron. Not counted in ClinVar's aggregate classification.

Dr. Peter K. Rogan Lab, Western University
No classification provided (evidence only). Condition: Ovarian serous cystadenocarcinoma. Review status: no classification provided. Collection method: in vitro. Allele origin: not applicable. Functional consequence: retained intron. Not counted in ClinVar's aggregate classification.

Dr. Peter K. Rogan Lab, Western University
No classification provided (evidence only). Condition: Gastric cancer. Review status: no classification provided. Collection method: in vitro. Allele origin: not applicable. Functional consequence: retained intron. Not counted in ClinVar's aggregate classification.

Dr. Peter K. Rogan Lab, Western University
No classification provided (evidence only). Condition: Gastric cancer. Review status: no classification provided. Collection method: in vitro. Allele origin: not applicable. Functional consequence: retained intron. Not counted in ClinVar's aggregate classification.

Dr. Peter K. Rogan Lab, Western University
No classification provided (evidence only). Condition: Gastric cancer. Review status: no classification provided. Collection method: in vitro. Allele origin: not applicable. Functional consequence: retained intron. Not counted in ClinVar's aggregate classification.

Dr. Peter K. Rogan Lab, Western University
No classification provided (evidence only). Condition: Malignant tumor of esophagus. Review status: no classification provided. Collection method: in vitro. Allele origin: not applicable. Functional consequence: retained intron. Not counted in ClinVar's aggregate classification.

Dr. Peter K. Rogan Lab, Western University
No classification provided (evidence only). Condition: Malignant tumor of esophagus. Review status: no classification provided. Collection method: in vitro. Allele origin: not applicable. Functional consequence: retained intron. Not counted in ClinVar's aggregate classification.

Dr. Peter K. Rogan Lab, Western University
No classification provided (evidence only). Condition: Malignant tumor of esophagus. Review status: no classification provided. Collection method: in vitro. Allele origin: not applicable. Functional consequence: retained intron. Not counted in ClinVar's aggregate classification.

Dr. Peter K. Rogan Lab, Western University
No classification provided (evidence only). Condition: Malignant tumor of esophagus. Review status: no classification provided. Collection method: in vitro. Allele origin: not applicable. Functional consequence: retained intron. Not counted in ClinVar's aggregate classification.

NM_015570.4(AUTS2):c.2586G>A (p.Pro862=)

Gene: AUTS2 (activator of transcription and developmental regulator AUTS2; plus strand). Cytogenetic location: 7q11.22.
Variant type: single nucleotide variant.
Coding change: c.2586G>A on transcript NM_015570.4 (MANE Select); coding-DNA position 2586, G replaced by A.
Protein change: p.Pro862=; no amino-acid change (proline 862 retained).
Molecular consequence: synonymous variant.
Genome position (GRCh38, 1-based): chr7:70,789,802, G>A. VCF-style: chr7-70789802-G-A. GRCh37 (hg19) VCF-style: chr7-70254788-G-A.
Other names: c.2514G>A, p.Pro838= (NM_001127231.3).
Identifiers: ClinVar variation 697677 (VCV000697677.14), dbSNP rs3750174, ClinGen allele CA4281130.